The following is an entry in ClinVar:

NM_000384.3(APOB):c.6583A>G (p.Lys2195Glu)

Gene: APOB (apolipoprotein B; minus strand). Cytogenetic location: 2p24.1.
Variant type: single nucleotide variant.
Coding change: c.6583A>G on transcript NM_000384.3 (MANE Select); coding-DNA position 6583, A replaced by G.
Protein change: p.Lys2195Glu; replaces lysine 2195 with glutamic acid.
Molecular consequence: missense variant.
Genome position (GRCh38, 1-based): chr2:21,010,285, T>C on the plus strand (A>G on the coding strand, the complement: APOB is on the minus strand). VCF-style: chr2-21010285-T-C. GRCh37 (hg19) VCF-style: chr2-21233157-T-C.
Other names: short protein forms K2195E.
Identifiers: ClinVar variation 3231442 (VCV003231442.1), dbSNP rs2465371139, ClinGen allele CA346001427.

ClinVar aggregate classification (germline): Uncertain significance (1 of 4 stars; one submission).

Conditions:
Cardiovascular phenotype. Identifiers: MedGen CN230736.

Allele frequency attached by ClinVar (database versions not stated): gnomAD exomes below 0.00001.
gnomAD v4.1: 1 of 1,550,126 alleles (0.000065%); highest among the groups gnomAD compares: Non-Finnish European, 0.000087%; no homozygotes.

Submission:

Ambry Genetics
Classification: Uncertain significance for Cardiovascular phenotype. Last evaluated: 2023-11-21. Review status: criteria provided, single submitter. Criteria: Ambry Variant Classification Scheme 2023. Collection method: clinical testing. Allele origin: germline.
Comment: The p.K2195E variant (also known as c.6583A>G), located in coding exon 26 of the APOB gene, results from an A to G substitution at nucleotide position 6583. The lysine at codon 2195 is replaced by glutamic acid, an amino acid with similar properties. This amino acid position is conserved. In addition, this alteration is predicted to be tolerated by in silico analysis. Since supporting evidence is limited at this time, the clinical significance of this alteration remains unclear.